The following is an entry in ClinVar:

ClinVar aggregate classification (germline): Likely pathogenic (1 of 4 stars; one submission).

Conditions:
Muscular dystrophy-dystroglycanopathy (congenital with brain and eye anomalies), type A2. Also called: MUSCULAR DYSTROPHY-DYSTROGLYCANOPATHY (CONGENITAL WITH BRAIN AND EYE ANOMALIES), TYPE A, 2; WALKER-WARBURG SYNDROME OR MUSCLE-EYE-BRAIN DISEASE, POMT2-RELATED. Identifiers: Orphanet 588, Orphanet 899, MedGen C3150411, MONDO:0013154, OMIM 613150.
Muscular dystrophy-dystroglycanopathy (congenital with impaired intellectual development), type B, 2. Also called: MUSCULAR DYSTROPHY, CONGENITAL, POMT2-RELATED; Muscular dystrophy-dystroglycanopathy (congenital with intellectual disability), type B2. Identifiers: MedGen C3150416, MONDO:0013160, OMIM 613156.
Autosomal recessive limb-girdle muscular dystrophy type 2N. Also called: MUSCULAR DYSTROPHY-DYSTROGLYCANOPATHY, LIMB-GIRDLE, POMT2-RELATED; Muscular dystrophy-dystroglycanopathy (limb-girdle), type C, 2. Identifiers: Orphanet 206559, MedGen C3150418, MONDO:0013162, OMIM 613158.

Submission:

Juno Genomics, Hangzhou Juno Genomics, Inc
Classification: Likely pathogenic for Muscular dystrophy-dystroglycanopathy (congenital with impaired intellectual development), type B, 2; Muscular dystrophy-dystroglycanopathy (congenital with brain and eye anomalies), type A2; Autosomal recessive limb-girdle muscular dystrophy type 2N. Review status: criteria provided, single submitter. Criteria: ACMG Guidelines, 2015. Collection method: clinical testing. Allele origin: germline.
Comment: Null variant in a gene where loss of function (LOF) is a known mechanism of disease.;Absent from controls (or at extremely low frequency if recessive) in Genome Aggregation Database.

NM_013382.7(POMT2):c.754C>T (p.Gln252Ter)

Gene: POMT2 (protein O-mannosyltransferase 2; minus strand). Cytogenetic location: 14q24.3.
Variant type: single nucleotide variant.
Coding change: c.754C>T on transcript NM_013382.7 (MANE Select); coding-DNA position 754, C replaced by T.
Protein change: p.Gln252Ter; replaces glutamine 252 with a stop codon.
Molecular consequence: nonsense.
Genome position (GRCh38, 1-based): chr14:77,301,152, G>A on the plus strand (C>T on the coding strand, the complement: POMT2 is on the minus strand). VCF-style: chr14-77301152-G-A. GRCh37 (hg19) VCF-style: chr14-77767495-G-A.
Other names: short protein forms Q252*.
Identifiers: ClinVar variation 5005351 (VCV005005351.2).
Genomic context (GRCh38, chr14:77,301,152, plus strand): 5'-ATGAAAGACTGAGGTCTCCGAACAGGTACCAAAGGTCTGCAATGGTGTTCAGCCCCACTT[G>A]AAGGATGATAAAGAGGCCAACAAACTTGACCCCTAAAGCACCAGCAAGACTAACGCCAGT-3'